The following is an entry in ClinVar:

ClinVar aggregate classification (germline): Likely benign (1 of 4 stars; one submission).

Allele frequency attached by ClinVar (database versions not stated): gnomAD exomes 0.00001; ESP Exome Variant Server 0.00008; ExAC 0.00005.
gnomAD v4.1: 11 of 1,552,246 alleles (0.00071%); highest among the groups gnomAD compares: Non-Finnish European, 0.00087%; no homozygotes.

Submission:

Laboratory for Molecular Medicine, Mass General Brigham Personalized Medicine
Classification: Likely benign. Last evaluated: 2017-02-21. Review status: criteria provided, single submitter. Criteria: LMM Criteria. Collection method: clinical testing. Allele origin: germline. Observed: 1 variant allele.
Comment: c.4138-4A>G in intron 31 of MYH14: This variant is not expected to have clinical significance because it is not located within the conserved splice consensus se quence. It has been identified in 1/9564 European chromosomes by the Exome Aggre gation Consortium (ExAC; dbSNP rs373533012).

NM_001145809.2(MYH14):c.4138-4A>G

Gene: MYH14 (myosin heavy chain 14; plus strand). Cytogenetic location: 19q13.33.
Variant type: single nucleotide variant.
Coding change: c.4138-4A>G on transcript NM_001145809.2 (MANE Select); 4 bases into the intron before coding-DNA position 4138, A replaced by G.
Molecular consequence: intron variant.
Genome position (GRCh38, 1-based): chr19:50,280,227, A>G. VCF-style: chr19-50280227-A-G. GRCh37 (hg19) VCF-style: chr19-50783484-A-G.
Other names: c.4039-4A>G (NM_001077186.2); c.4015-4A>G (NM_024729.4).
Identifiers: ClinVar variation 505660 (VCV000505660.4), dbSNP rs373533012, ClinGen allele CA9593454.